The following is an entry in ClinVar:

ClinVar aggregate classification (germline): Uncertain significance. Review status: criteria provided, multiple submitters, no conflicts (2 of 4 stars). 2 submissions from 2 submitters: Uncertain significance (2). Last evaluated 2026-06-04.

Conditions:
Duchenne muscular dystrophy (DMD). Also called: MUSCULAR DYSTROPHY, PSEUDOHYPERTROPHIC PROGRESSIVE, DUCHENNE TYPE; Duchenne Muscular Dystrophy (DMD). Identifiers: Orphanet 98896, MedGen C0013264, MONDO:0010679, OMIM 310200.
DMD-related disorder. Also called: DMD-related condition.

Submissions (2):

PreventionGenetics, part of Exact Sciences
Classification: Uncertain significance for DMD-related condition. Last evaluated: 2026-06-04. Review status: criteria provided, single submitter. Criteria: ACMG Guidelines, 2015. Collection method: clinical testing. Allele origin: germline.
Comment: The DMD c.10326C>T is a noncoding alteration. This variant is predicted to impact splicing based on available splicing prediction programs (SpliceAI, Jaganathan et al. 2019. PubMed ID: 30661751). To our knowledge, this variant has not been reported in the literature or in a large population database (gnomAD), indicating it is rare. At this time, the clinical significance of this variant is uncertain due to the absence of conclusive functional and genetic evidence.

Labcorp Genetics (formerly Invitae), Labcorp
Classification: Uncertain significance for Duchenne muscular dystrophy. Last evaluated: 2025-12-08. Review status: criteria provided, single submitter. Criteria: Invitae Variant Classification Sherloc (09022015). Collection method: clinical testing. Allele origin: germline.
Comment: This sequence change affects codon 3442 of the DMD mRNA. It is a 'silent' change, meaning that it does not change the encoded amino acid sequence of the DMD protein. This variant is not present in population databases (gnomAD no frequency). This variant has not been reported in the literature in individuals affected with DMD-related conditions. ClinVar contains an entry for this variant (Variation ID: 3667789). Algorithms developed to predict the effect of sequence changes on RNA splicing suggest that this variant may disrupt the consensus splice site. In summary, the available evidence is currently insufficient to determine the role of this variant in disease. Therefore, it has been classified as a Variant of Uncertain Significance.

NM_004006.3(DMD):c.10326C>T (p.Ser3442=)

Gene: DMD (dystrophin; minus strand). Cytogenetic location: Xp21.2.
Variant type: single nucleotide variant.
Coding change: c.10326C>T on transcript NM_004006.3 (MANE Select); coding-DNA position 10326, C replaced by T.
Protein change: p.Ser3442=; no amino-acid change (serine 3442 retained).
Molecular consequence: synonymous variant. On other transcripts: intron variant (2).
Genome position (GRCh38, 1-based): chrX:31,173,541, G>A on the plus strand (C>T on the coding strand, the complement: DMD is on the minus strand). VCF-style: chrX-31173541-G-A. GRCh37 (hg19) VCF-style: chrX-31191658-G-A.
Other names: c.1122C>T, p.Ser374= (NM_004015.3, NM_004016.3); c.1083C>T, p.Ser361= (NM_004017.3, NM_004018.3); c.2946C>T, p.Ser982= (NM_004021.3, NM_004013.3); c.2907C>T, p.Ser969= (NM_004022.3); c.2843+5128C>T (NM_004023.3, NM_004020.4); c.10302C>T, p.Ser3434= (NM_000109.4); c.10314C>T, p.Ser3438= (NM_004009.3); c.9957C>T, p.Ser3319= (NM_004010.3); and 3 more.
Identifiers: ClinVar variation 3667789 (VCV003667789.3).